The following is an entry in ClinVar:

NM_000548.5(TSC2):c.3473C>G (p.Pro1158Arg)

Gene: TSC2 (TSC complex subunit 2; plus strand). Cytogenetic location: 16p13.3.
Variant type: single nucleotide variant.
Coding change: c.3473C>G on transcript NM_000548.5 (MANE Select); coding-DNA position 3473, C replaced by G.
Protein change: p.Pro1158Arg; replaces proline 1158 with arginine.
Molecular consequence: missense variant.
Genome position (GRCh38, 1-based): chr16:2,080,240, C>G. VCF-style: chr16-2080240-C-G. GRCh37 (hg19) VCF-style: chr16-2130241-C-G.
Other names: c.3341C>G, p.Pro1114Arg (NM_001077183.3, NM_001370404.1); c.3473C>G, p.Pro1158Arg (NM_001114382.3); c.3233C>G, p.Pro1078Arg (NM_001318827.2); c.3197C>G, p.Pro1066Arg (NM_001318829.2); c.2741C>G, p.Pro914Arg (NM_001318831.2); c.3374C>G, p.Pro1125Arg (NM_001318832.2); c.3344C>G, p.Pro1115Arg (NM_001363528.2, NM_001370405.1, NM_021055.3); short protein forms P1066R, P1115R, P1125R, P1078R, P1114R, P1158R, P914R.
Identifiers: ClinVar variation 658181 (VCV000658181.13), dbSNP rs992338076, ClinGen allele CA276746687.

ClinVar aggregate classification (germline): Uncertain significance. Review status: criteria provided, multiple submitters, no conflicts (2 of 4 stars). 3 submissions from 3 submitters: Uncertain significance (3). Last evaluated 2025-12-08.

Conditions:
Isolated focal cortical dysplasia type II (FCORD2). Also called: Focal cortical dysplasia type II; CORTICAL DYSPLASIA OF TAYLOR. Identifiers: Orphanet 268994, MedGen C1846385, MONDO:0011818, OMIM 607341, HP:0032051.
Hereditary cancer-predisposing syndrome. Also called: Neoplastic Syndromes, Hereditary; Hereditary neoplastic syndrome; Hereditary Cancer Syndrome; Tumor predisposition. Identifiers: Orphanet 140162, MedGen C0027672, MeSH D009386, MONDO:0015356.
Tuberous sclerosis 2 (TSC2). Identifiers: Orphanet 805, MedGen C1860707, MONDO:0013199, OMIM 613254.

Allele frequency attached by ClinVar (database versions not stated): TOPMed below 0.00001.

Submissions (3):

Labcorp Genetics (formerly Invitae), Labcorp
Classification: Uncertain significance for Tuberous sclerosis 2. Last evaluated: 2025-12-08. Review status: criteria provided, single submitter. Criteria: Invitae Variant Classification Sherloc (09022015). Collection method: clinical testing. Allele origin: germline.
Comment: This sequence change replaces proline, which is neutral and non-polar, with arginine, which is basic and polar, at codon 1158 of the TSC2 protein (p.Pro1158Arg). This variant is not present in population databases (gnomAD no frequency). This variant has not been reported in the literature in individuals affected with TSC2-related conditions. ClinVar contains an entry for this variant (Variation ID: 658181). Invitae Evidence Modeling of protein sequence and biophysical properties (such as structural, functional, and spatial information, amino acid conservation, physicochemical variation, residue mobility, and thermodynamic stability) indicates that this missense variant is not expected to disrupt TSC2 protein function with a negative predictive value of 95%. In summary, the available evidence is currently insufficient to determine the role of this variant in disease. Therefore, it has been classified as a Variant of Uncertain Significance.

Ambry Genetics
Classification: Uncertain significance for Hereditary cancer-predisposing syndrome. Last evaluated: 2025-03-13. Review status: criteria provided, single submitter. Criteria: Ambry Variant Classification Scheme 2023. Collection method: clinical testing. Allele origin: germline.
Comment: The p.P1158R variant (also known as c.3473C>G), located in coding exon 29 of the TSC2 gene, results from a C to G substitution at nucleotide position 3473. The proline at codon 1158 is replaced by arginine, an amino acid with dissimilar properties. This amino acid position is not well conserved in available vertebrate species. In addition, this alteration is predicted to be tolerated by in silico analysis. Based on the available evidence, the clinical significance of this variant remains unclear.

Baylor Genetics
Classification: Uncertain significance for Isolated focal cortical dysplasia type II. Last evaluated: 2023-11-02. Review status: criteria provided, single submitter. Criteria: ACMG Guidelines, 2015. Collection method: clinical testing. Allele origin: unknown.